The following is an entry in ClinVar:

ClinVar aggregate classification (germline): Pathogenic. Review status: criteria provided, multiple submitters, no conflicts (2 of 4 stars). 2 submissions from 2 submitters: Pathogenic (2). Last evaluated 2023-07-07.

Conditions:
Pituitary adenoma 5, multiple types. Identifiers: MedGen C4539685, MONDO:0054601, OMIM 617540.

gnomAD v4.1: 1 of 1,614,022 alleles (0.000062%); highest among the groups gnomAD compares: South Asian, 0.0011%; no homozygotes.

Submissions (2):

Baylor Genetics
Classification: Pathogenic for Pituitary adenoma 5, multiple types. Last evaluated: 2023-07-07. Review status: criteria provided, single submitter. Criteria: ACMG Guidelines, 2015. Collection method: clinical testing. Allele origin: unknown.

Labcorp Genetics (formerly Invitae), Labcorp
Classification: Pathogenic. Last evaluated: 2022-08-31. Review status: criteria provided, single submitter. Criteria: Invitae Variant Classification Sherloc (09022015). Collection method: clinical testing. Allele origin: germline.
Comment: For these reasons, this variant has been classified as Pathogenic. This variant is not present in population databases (gnomAD no frequency). This sequence change creates a premature translational stop signal (p.Gln1288*) in the CDH23 gene. It is expected to result in an absent or disrupted protein product. Loss-of-function variants in CDH23 are known to be pathogenic (PMID: 11138009, 21940737). This premature translational stop signal has been observed in individuals with Usher syndrome (PMID: 27957503, 28944237).

Literature cited by the submitters: PubMed 11138009 (cited by Labcorp Genetics (formerly Invitae), Labcorp); PubMed 21940737 (cited by Labcorp Genetics (formerly Invitae), Labcorp); PubMed 27957503 (cited by Labcorp Genetics (formerly Invitae), Labcorp); PubMed 28944237 (cited by Labcorp Genetics (formerly Invitae), Labcorp).

NM_022124.6(CDH23):c.3862C>T (p.Gln1288Ter)

Genes: C10orf105 (chromosome 10 open reading frame 105; minus strand), CDH23 (cadherin related 23; plus strand). Cytogenetic location: 10q22.1.
Variant type: single nucleotide variant.
Coding change: c.3862C>T on transcript NM_022124.6 (MANE Select); coding-DNA position 3862, C replaced by T.
Protein change: p.Gln1288Ter; replaces glutamine 1288 with a stop codon.
Molecular consequence: nonsense. On other transcripts: intron variant (1).
Genome position (GRCh38, 1-based): chr10:71,732,133, C>T. VCF-style: chr10-71732133-C-T. GRCh37 (hg19) VCF-style: chr10-73491890-C-T.
Other names: c.3862C>T, p.Gln1288Ter (NM_001171930.2); c.-6+5595G>A (NM_001168390.2); short protein forms Q1288*.
Identifiers: ClinVar variation 2136882 (VCV002136882.4), dbSNP rs1204040319, ClinGen allele CA377156398.